The following is an entry in ClinVar:

NM_000257.4(MYH7):c.2692C>T (p.Leu898=)

Gene: MYH7 (myosin heavy chain 7; minus strand). Cytogenetic location: 14q11.2.
Variant type: single nucleotide variant.
Coding change: c.2692C>T on transcript NM_000257.4 (MANE Select); coding-DNA position 2692, C replaced by T.
Protein change: p.Leu898=; no amino-acid change (leucine 898 retained).
Molecular consequence: synonymous variant.
Genome position (GRCh38, 1-based): chr14:23,424,137, G>A on the plus strand (C>T on the coding strand, the complement: MYH7 is on the minus strand). VCF-style: chr14-23424137-G-A. GRCh37 (hg19) VCF-style: chr14-23893346-G-A.
Other names: c.2692C>T (LRG_384t1).
Identifiers: ClinVar variation 312909 (VCV000312909.22), dbSNP rs727504407, ClinGen allele CA034075.
Genomic context (GRCh38, chr14:23,424,137, plus strand): 5'-TGGCCTCCAGCTGAATCTTGTTTTTGATCAGCTGATCACAGCGCTCCTCAGCATCTGCCA[G>A]GTTGTCTTGTTCCTGAAGGTGAGGAACAGAGGGGAGGCTGTTCAGGGGGTAAGGTCCTCA-3'
Protein context (NP_000248.2, residues 888-908): QLQVQAEQDN[Leu898=]ADAEERCDQL

ClinVar aggregate classification (germline): Conflicting classifications of pathogenicity. Review status: criteria provided, conflicting classifications (1 of 4 stars). 9 submissions from 7 submitters: Uncertain significance (2); Benign (3); Likely benign (4). Last evaluated 2025-12-20.

Conditions:
Myosin storage myopathy (CMYO7A). Also called: MYOPATHY, HYALINE BODY, AUTOSOMAL DOMINANT; Scapuloperoneal myopathy, MYH7-related; SCAPULOPERONEAL MUSCULAR DYSTROPHY; SCAPULOPERONEAL SYNDROME, MYOPATHIC TYPE; MYH7-related late-onset scapuloperoneal muscular dystrophy; Congenital myopathy 7A, myosin storage, autosomal dominant. Identifiers: Orphanet 437572, Orphanet 636965, MedGen C1842160, MONDO:0008409, OMIM 608358.
Hypertrophic cardiomyopathy 1 (CMH1). Also called: MYH7-Related Familial Hypertrophic Cardiomyopathy; Familial hypertrophic cardiomyopathy 1. Identifiers: MedGen C3495498, MONDO:0008647, OMIM 192600.
MYH7-related skeletal myopathy. Also called: Myopathy, distal, 1; MYOPATHY, DISTAL, EARLY-ONSET, AUTOSOMAL DOMINANT; MYOPATHY, LATE DISTAL HEREDITARY; Laing early-onset distal myopathy; Laing distal myopathy. Identifiers: Orphanet 59135, MedGen C4552004, MONDO:0008050, OMIM 160500.
Hypertrophic cardiomyopathy. Also called: HYPERTROPHIC MYOCARDIOPATHY. Identifiers: Orphanet 217569, MedGen C0007194, MeSH D002312, MONDO:0005045, HP:0001639.
Cardiovascular phenotype. Identifiers: MedGen CN230736.
Cardiomyopathy (CMYO). Also called: Cardiomyopathies. Identifiers: Orphanet 167848, MedGen C0878544, MONDO:0004994, HP:0001638. Inheritance: Various modes of inheritance.

Allele frequency attached by ClinVar (database versions not stated): gnomAD 0.00001; gnomAD exomes 0.00001 and 0.00004; ExAC 0.00002; TOPMed 0.00005.
gnomAD v4.1: 21 of 1,614,062 alleles (0.0013%); highest among the groups gnomAD compares: East Asian, 0.011%; no homozygotes.

Submissions (9):

Labcorp Genetics (formerly Invitae), Labcorp
Classification: Likely benign for Hypertrophic cardiomyopathy. Last evaluated: 2025-12-20. Review status: criteria provided, single submitter. Criteria: Invitae Variant Classification Sherloc (09022015). Collection method: clinical testing. Allele origin: germline.

All of Us Research Program, National Institutes of Health
Classification: Benign for Cardiomyopathy. Last evaluated: 2024-06-11. Review status: criteria provided, single submitter. Criteria: ACMG Guidelines, 2015. Collection method: clinical testing. Allele origin: germline. Inheritance: Autosomal dominant inheritance. Observed: 6 variant alleles, 6 heterozygotes.
Comment: This study involves interpretation of variants in research participants for the purpose of population health screening. Participant phenotype was not available at the time of variant classification. Additional details can be found in publication PMID: 35346344, PMCID: PMC8962531

Ambry Genetics
Classification: Likely benign for Cardiovascular phenotype. Last evaluated: 2023-01-30. Review status: criteria provided, single submitter. Criteria: Ambry Variant Classification Scheme 2023. Collection method: clinical testing. Allele origin: germline.

Blueprint Genetics
Classification: Likely benign. Last evaluated: 2022-10-13. Review status: criteria provided, single submitter. Criteria: ACMG Guidelines, 2015. Collection method: clinical testing. Allele origin: germline.

Color Diagnostics, LLC DBA Color Health
Classification: Benign for Cardiomyopathy. Last evaluated: 2020-08-17. Review status: criteria provided, single submitter. Criteria: ACMG Guidelines, 2015. Collection method: clinical testing. Allele origin: germline.

Illumina Laboratory Services, Illumina
Classification: Uncertain significance for Hypertrophic cardiomyopathy 1. Last evaluated: 2018-01-13. Review status: criteria provided, single submitter. Criteria: ICSL Variant Classification Criteria 13 December 2019. Collection method: clinical testing. Allele origin: germline.

Illumina Laboratory Services, Illumina
Classification: Benign for MYH7-related skeletal myopathy. Last evaluated: 2018-01-13. Review status: criteria provided, single submitter. Criteria: ICSL Variant Classification Criteria 13 December 2019. Collection method: clinical testing. Allele origin: germline.
Comment: This variant was observed in the ICSL laboratory as part of a predisposition screen in an ostensibly healthy population. It had not been previously curated by ICSL or reported in the Human Gene Mutation Database (HGMD: prior to June 1st, 2018), and was therefore a candidate for classification through an automated scoring system. Utilizing variant allele frequency, disease prevalence and penetrance estimates, and inheritance mode, an automated score was calculated to assess if this variant is too frequent to cause the disease. Based on the score and internal cut-off values, a variant classified as benign is not then subjected to further curation. The score for this variant resulted in a classification of benign for this disease.

Illumina Laboratory Services, Illumina
Classification: Uncertain significance for Myosin storage myopathy. Last evaluated: 2018-01-13. Review status: criteria provided, single submitter. Criteria: ICSL Variant Classification Criteria 13 December 2019. Collection method: clinical testing. Allele origin: germline.

GeneDx
Classification: Likely benign. Last evaluated: 2017-09-07. Review status: criteria provided, single submitter. Criteria: GeneDx Variant Classification (06012015). Collection method: clinical testing. Allele origin: germline. Affected: yes.
Comment: This variant is considered likely benign or benign based on one or more of the following criteria: it is a conservative change, it occurs at a poorly conserved position in the protein, it is predicted to be benign by multiple in silico algorithms, and/or has population frequency not consistent with disease.